The following is an entry in ClinVar:

NM_199355.4(ADAMTS18):c.3500C>T (p.Pro1167Leu)

Genes: ADAMTS18 (ADAM metallopeptidase with thrombospondin type 1 motif 18; minus strand), LOC126862407 (CDK7 strongly-dependent group 2 enhancer GRCh37_chr16:77322970-77324169; plus strand). Cytogenetic location: 16q23.1.
Variant type: single nucleotide variant.
Coding change: c.3500C>T on transcript NM_199355.4 (MANE Select); coding-DNA position 3500, C replaced by T.
Protein change: p.Pro1167Leu; replaces proline 1167 with leucine.
Molecular consequence: missense variant.
Genome position (GRCh38, 1-based): chr16:77,289,314, G>A on the plus strand (C>T on the coding strand, the complement: ADAMTS18 is on the minus strand). VCF-style: chr16-77289314-G-A. GRCh37 (hg19) VCF-style: chr16-77323211-G-A.
Other names: c.2984C>T, p.Pro995Leu (NM_001326358.2); short protein forms P995L, P1167L.
Identifiers: ClinVar variation 1034627 (VCV001034627.9), dbSNP rs148588314, ClinGen allele CA8180408.

ClinVar aggregate classification (germline): Conflicting classifications of pathogenicity. Review status: criteria provided, conflicting classifications (1 of 4 stars). 2 submissions from 2 submitters: Uncertain significance (1); Benign (1). Last evaluated 2024-12-29.

Allele frequency attached by ClinVar (database versions not stated): TOPMed 0.00029; ESP Exome Variant Server 0.00077.
gnomAD v4.1: 114 of 1,613,988 alleles (0.0071%); highest among the groups gnomAD compares: African/African-American, 0.099%; no homozygotes.

Submissions (2):

Labcorp Genetics (formerly Invitae), Labcorp
Classification: Uncertain significance. Last evaluated: 2024-12-29. Review status: criteria provided, single submitter. Criteria: Invitae Variant Classification Sherloc (09022015). Collection method: clinical testing. Allele origin: germline.
Comment: This sequence change replaces proline, which is neutral and non-polar, with leucine, which is neutral and non-polar, at codon 1167 of the ADAMTS18 protein (p.Pro1167Leu). This variant is present in population databases (rs148588314, gnomAD 0.1%). This variant has not been reported in the literature in individuals affected with ADAMTS18-related conditions. ClinVar contains an entry for this variant (Variation ID: 1034627). An algorithm developed to predict the effect of missense changes on protein structure and function (PolyPhen-2) suggests that this variant¬†is likely to be tolerated. In summary, the available evidence is currently insufficient to determine the role of this variant in disease. Therefore, it has been classified as a Variant of Uncertain Significance.

Blueprint Genetics
Classification: Benign. Last evaluated: 2024-07-19. Review status: criteria provided, single submitter. Criteria: ACMG Guidelines, 2015. Collection method: clinical testing. Allele origin: germline.